The following is an entry in ClinVar:

ClinVar aggregate classification (germline): Likely benign. Review status: criteria provided, multiple submitters, no conflicts (2 of 4 stars). 3 submissions from 3 submitters: Likely benign (2). 1 of the submissions does not count toward it. Last evaluated 2026-06-01.

Conditions:
ASXL3-related disorder. Also called: ASXL3-related condition. Identifiers: MedGen CN381524.
Inborn genetic diseases. Identifiers: MedGen C0950123, MeSH D030342.

gnomAD v4.1: 27 of 1,613,134 alleles (0.0017%); highest among the groups gnomAD compares: East Asian, 0.036%; no homozygotes.

Submissions (3):

CeGaT Center for Human Genetics Tuebingen
Classification: Likely benign. Last evaluated: 2026-06-01. Review status: criteria provided, single submitter. Criteria: CeGaT Center For Human Genetics Tuebingen Variant Classification Criteria Version 2. Collection method: clinical testing. Allele origin: germline. Affected: yes. Observed: 1 variant allele.
Comment: ASXL3: BP4, BS2

Ambry Genetics
Classification: Likely benign for Inborn genetic diseases. Last evaluated: 2025-03-27. Review status: criteria provided, single submitter. Criteria: Ambry Variant Classification Scheme 2023. Collection method: clinical testing. Allele origin: germline.

PreventionGenetics, part of Exact Sciences
Classification: Likely benign for ASXL3-related condition. Last evaluated: 2024-08-29. Review status: no assertion criteria provided. Collection method: clinical testing. Allele origin: germline. Not counted in ClinVar's aggregate classification.
Comment: This variant is classified as likely benign based on ACMG/AMP sequence variant interpretation guidelines (Richards et al. 2015 PMID: 25741868, with internal and published modifications).

NM_030632.3(ASXL3):c.1706C>A (p.Thr569Asn)

Gene: ASXL3 (ASXL transcriptional regulator 3; plus strand). Cytogenetic location: 18q12.1.
Variant type: single nucleotide variant.
Coding change: c.1706C>A on transcript NM_030632.3 (MANE Select); coding-DNA position 1706, C replaced by A.
Protein change: p.Thr569Asn; replaces threonine 569 with asparagine.
Molecular consequence: missense variant.
Genome position (GRCh38, 1-based): chr18:33,739,110, C>A. VCF-style: chr18-33739110-C-A. GRCh37 (hg19) VCF-style: chr18-31319074-C-A.
Other names: c.1706C>A (NM_030632.1); short protein forms T569N.
Identifiers: ClinVar variation 3358304 (VCV003358304.4).
Genomic context (GRCh38, chr18:33,739,110, plus strand): 5'-CTATGACTCATGTCAGTGACACAGAACATAAGGAGTCAGAAACTGCAGTAGAGACCAGTA[C>A]CCCCAAAATAAAAACAGGGTCATCTTCTCTAGAAGGCCAGTTTCCAAATGAAGGAATTGC-3'
Protein context (NP_085135.1, residues 559-579): KESETAVETS[Thr569Asn]PKIKTGSSSL